The following is an entry in ClinVar:

ClinVar aggregate classification (germline): Conflicting classifications of pathogenicity. Review status: criteria provided, conflicting classifications (1 of 4 stars). 5 submissions from 5 submitters: Uncertain significance (2); Benign (1); Likely benign (2). Last evaluated 2026-03-01.

Conditions:
Isolated focal cortical dysplasia type II (FCORD2). Also called: Focal cortical dysplasia type II; CORTICAL DYSPLASIA OF TAYLOR. Identifiers: Orphanet 268994, MedGen C1846385, MONDO:0011818, OMIM 607341, HP:0032051.
Tuberous sclerosis 1 (TSC1). Identifiers: Orphanet 805, MedGen C1854465, MONDO:0008612, OMIM 191100.
Tuberous sclerosis syndrome (TSC). Also called: Tuberous Sclerosis Complex; Tuberous sclerosis. Identifiers: Orphanet 805, MedGen C0041341, MONDO:0001734.
Hereditary cancer-predisposing syndrome. Also called: Hereditary neoplastic syndrome; Tumor predisposition; Neoplastic Syndromes, Hereditary; Hereditary Cancer Syndrome. Identifiers: Orphanet 140162, MedGen C0027672, MeSH D009386, MONDO:0015356.

Allele frequency attached by ClinVar (database versions not stated): gnomAD exomes below 0.00001.
gnomAD v4.1: 7 of 1,613,682 alleles (0.00043%); highest among the groups gnomAD compares: Non-Finnish European, 0.00051%; no homozygotes.

Submissions (5):

CeGaT Center for Human Genetics Tuebingen
Classification: Likely benign. Last evaluated: 2026-03-01. Review status: criteria provided, single submitter. Criteria: CeGaT Center For Human Genetics Tuebingen Variant Classification Criteria Version 2. Collection method: clinical testing. Allele origin: germline. Affected: yes. Observed: 2 variant alleles.
Comment: TSC1: PP2, BP4, BS2

Labcorp Genetics (formerly Invitae), Labcorp
Classification: Benign for Tuberous sclerosis 1. Last evaluated: 2025-10-27. Review status: criteria provided, single submitter. Criteria: Invitae Variant Classification Sherloc (09022015). Collection method: clinical testing. Allele origin: germline.

Ambry Genetics
Classification: Likely benign for Hereditary cancer-predisposing syndrome. Last evaluated: 2024-07-03. Review status: criteria provided, single submitter. Criteria: Ambry Variant Classification Scheme 2023. Collection method: clinical testing. Allele origin: germline.

All of Us Research Program, National Institutes of Health
Classification: Uncertain significance for Tuberous sclerosis syndrome. Last evaluated: 2023-11-28. Review status: criteria provided, single submitter. Criteria: ACMG Guidelines, 2015. Collection method: clinical testing. Allele origin: germline. Inheritance: Autosomal dominant inheritance. Observed: 3 variant alleles, 3 heterozygotes.
Comment: This study involves interpretation of variants in research participants for the purpose of population health screening. Participant phenotype was not available at the time of variant classification. Additional details can be found in publication PMID: 35346344, PMCID: PMC8962531

Baylor Genetics
Classification: Uncertain significance for Isolated focal cortical dysplasia type II. Last evaluated: 2023-06-04. Review status: criteria provided, single submitter. Criteria: ACMG Guidelines, 2015. Collection method: clinical testing. Allele origin: unknown.

NM_000368.5(TSC1):c.2986T>G (p.Cys996Gly)

Gene: TSC1 (TSC complex subunit 1; minus strand). Cytogenetic location: 9q34.13.
Variant type: single nucleotide variant.
Coding change: c.2986T>G on transcript NM_000368.5 (MANE Select); coding-DNA position 2986, T replaced by G.
Protein change: p.Cys996Gly; replaces cysteine 996 with glycine.
Molecular consequence: missense variant.
Genome position (GRCh38, 1-based): chr9:132,896,744, A>C on the plus strand (T>G on the coding strand, the complement: TSC1 is on the minus strand). VCF-style: chr9-132896744-A-C. GRCh37 (hg19) VCF-style: chr9-135772131-A-C.
Other names: c.2983T>G, p.Cys995Gly (NM_001162426.2); c.2833T>G, p.Cys945Gly (NM_001162427.2); c.2623T>G, p.Cys875Gly (NM_001362177.2); short protein forms C996G, C995G, C945G, C875G.
Identifiers: ClinVar variation 466109 (VCV000466109.20), dbSNP rs1554813029, ClinGen allele CA375368037.